The following is an entry in ClinVar:

ClinVar aggregate classification (germline): other (0 of 4 stars; one submission).

Conditions:
Familial colorectal cancer. Identifiers: MedGen CN280943, MONDO:0023113. Disease mechanism: loss of function.

Submission:

Systems Biology Platform Zhejiang California International NanoSystems Institute
Classification: other for Familial colorectal cancer. Review status: no assertion criteria provided. Collection method: not provided. Allele origin: unknown.
ClinVar note: Converted during submission from cancer to other.

NM_000038.6(APC):c.646-4545A>G

Gene: APC (APC regulator of WNT signaling pathway; plus strand). Cytogenetic location: 5q22.2.
Variant type: single nucleotide variant.
Coding change: c.646-4545A>G on transcript NM_000038.6 (MANE Select); 4545 bases into the intron before coding-DNA position 646, A replaced by G.
Molecular consequence: intron variant.
Genome position (GRCh38, 1-based): chr5:112,787,901, A>G. VCF-style: chr5-112787901-A-G. GRCh37 (hg19) VCF-style: chr5-112123598-A-G.
Other names: c.646-4545A>G (NM_001354895.2, NM_001127510.3, NM_001354896.2 and 1 more transcripts); c.676-4545A>G (NM_001354897.2, NM_001354902.2); c.675+6998A>G (NM_001127511.3); c.571-4545A>G (NM_001354898.2, NM_001354904.2); c.-390-4545A>G (NM_001354906.2); c.645+6998A>G (NM_001354899.2); c.469-4545A>G (NM_001354900.2, NM_001354901.2, NM_001354905.2).
Identifiers: ClinVar variation 82974 (VCV000082974.2), dbSNP rs76441987, ClinGen allele CA011983.
Genomic context (GRCh38, chr5:112,787,901, plus strand): 5'-ATCTTCTATTAGCTCCTTAATTCATCTTGAGTTTGCTATTATGTATGTTGTGGAGGCAGG[A>G]ATCTAACTTATATGTATATTACTTATATATGTGTGTATGTGTATTATACATGCACATGAT-3'